The following is an entry in ClinVar:

NM_017637.6(BNC2):c.1272C>G (p.Phe424Leu)

Gene: BNC2 (basonuclin zinc finger protein 2; minus strand). Cytogenetic location: 9p22.3.
Variant type: single nucleotide variant.
Coding change: c.1272C>G on transcript NM_017637.6 (MANE Select); coding-DNA position 1272, C replaced by G.
Protein change: p.Phe424Leu; replaces phenylalanine 424 with leucine.
Molecular consequence: missense variant.
Genome position (GRCh38, 1-based): chr9:16,436,922, G>C on the plus strand (C>G on the coding strand, the complement: BNC2 is on the minus strand). VCF-style: chr9-16436922-G-C. GRCh37 (hg19) VCF-style: chr9-16436920-G-C.
Other names: c.1146C>G, p.Phe382Leu (NM_001317939.2); c.987C>G, p.Phe329Leu (NM_001317940.2); short protein forms F382L, F329L, F424L.
Identifiers: ClinVar variation 1949950 (VCV001949950.7), dbSNP rs1418950993, ClinGen allele CA372994459.

ClinVar aggregate classification (germline): Uncertain significance. Review status: criteria provided, multiple submitters, no conflicts (2 of 4 stars). 2 submissions from 2 submitters: Uncertain significance (2). Last evaluated 2025-08-12.

Conditions:
Inborn genetic diseases. Identifiers: MedGen C0950123, MeSH D030342.

Allele frequency attached by ClinVar (database versions not stated): gnomAD 0.00001; gnomAD exomes 0.00001.
gnomAD v4.1: 6 of 1,613,936 alleles (0.00037%); highest among the groups gnomAD compares: Admixed American, 0.0083%; no homozygotes.

Submissions (2):

Ambry Genetics
Classification: Uncertain significance for Inborn genetic diseases. Last evaluated: 2025-08-12. Review status: criteria provided, single submitter. Criteria: Ambry Variant Classification Scheme 2023. Collection method: clinical testing. Allele origin: germline.

Labcorp Genetics (formerly Invitae), Labcorp
Classification: Uncertain significance. Last evaluated: 2022-08-21. Review status: criteria provided, single submitter. Criteria: Invitae Variant Classification Sherloc (09022015). Collection method: clinical testing. Allele origin: germline.
Comment: This variant has not been reported in the literature in individuals affected with BNC2-related conditions. In summary, the available evidence is currently insufficient to determine the role of this variant in disease. Therefore, it has been classified as a Variant of Uncertain Significance. Algorithms developed to predict the effect of missense changes on protein structure and function (SIFT, PolyPhen-2, Align-GVGD) all suggest that this variant is likely to be tolerated. This variant is present in population databases (no rsID available, gnomAD 0.01%). This sequence change replaces phenylalanine, which is neutral and non-polar, with leucine, which is neutral and non-polar, at codon 424 of the BNC2 protein (p.Phe424Leu).